The following is an entry in ClinVar:

NM_000702.4(ATP1A2):c.1311C>T (p.Asn437=)

Gene: ATP1A2 (ATPase Na+/K+ transporting subunit alpha 2; plus strand). Cytogenetic location: 1q23.2.
Variant type: single nucleotide variant.
Coding change: c.1311C>T on transcript NM_000702.4 (MANE Select); coding-DNA position 1311, C replaced by T.
Protein change: p.Asn437=; no amino-acid change (asparagine 437 retained).
Molecular consequence: synonymous variant.
Genome position (GRCh38, 1-based): chr1:160,129,074, C>T. VCF-style: chr1-160129074-C-T. GRCh37 (hg19) VCF-style: chr1-160098864-C-T.
Identifiers: ClinVar variation 382153 (VCV000382153.1), dbSNP rs1057521266, ClinGen allele CA16603491.

ClinVar aggregate classification (germline): Likely benign (1 of 4 stars; one submission).

Submission:

GeneDx
Classification: Likely benign. Last evaluated: 2015-12-04. Review status: criteria provided, single submitter. Criteria: GeneDx Variant Classification (06012015). Collection method: clinical testing. Allele origin: germline. Affected: yes.
Comment: This variant is considered likely benign or benign based on one or more of the following criteria: it is a conservative change, it occurs at a poorly conserved position in the protein, it is predicted to be benign by multiple in silico algorithms, and/or has population frequency not consistent with disease.